The following is an entry in ClinVar:

ClinVar aggregate classification (germline): Pathogenic. Review status: criteria provided, single submitter (1 of 4 stars). 2 submissions from 2 submitters: Pathogenic (1). 1 of the submissions does not count toward it. Last evaluated 2025-06-09.

Conditions:
Spondyloepiphyseal dysplasia congenita (SEDC). Also called: SED CONGENITA; SPONDYLOEPIPHYSEAL DYSPLASIA, CONGENITAL TYPE. Identifiers: Orphanet 94068, MedGen C2745959, MONDO:0008471, OMIM 183900.

Submissions (2):

GeneDx
Classification: Pathogenic. Last evaluated: 2025-06-09. Review status: criteria provided, single submitter. Criteria: GeneDx Variant Classification Process June 2021. Collection method: clinical testing. Allele origin: germline. Affected: yes.
Comment: Not observed at significant frequency in large population cohorts (gnomAD); In silico analysis supports that this missense variant has a deleterious effect on protein structure/function; Occurs in the triple helical domain and replaces a glycine in a canonical Gly-X-Y repeat; missense substitution of a canonical glycine residue is expected to disrupt normal protein folding and function, and this is an established mechanism of disease (PMID: 34007986); This variant is associated with the following publications: (PMID: 34006472, 34007986)

Beijing Key Laboratory for Genetic Research of Skeletal Deformity, Peking Union Medical College Hospital
Classification: Likely pathogenic for Spondyloepiphyseal dysplasia congenita. Last evaluated: 2019-05-31. Review status: no assertion criteria provided. Collection method: research. Allele origin: de novo. Affected: yes. Not counted in ClinVar's aggregate classification.

NM_001844.5(COL2A1):c.2860G>A (p.Gly954Ser)

Gene: COL2A1 (collagen type II alpha 1 chain; minus strand). Cytogenetic location: 12q13.11.
Variant type: single nucleotide variant.
Coding change: c.2860G>A on transcript NM_001844.5 (MANE Select); coding-DNA position 2860, G replaced by A.
Protein change: p.Gly954Ser; replaces glycine 954 with serine.
Molecular consequence: missense variant.
Genome position (GRCh38, 1-based): chr12:47,978,632, C>T on the plus strand (G>A on the coding strand, the complement: COL2A1 is on the minus strand). VCF-style: chr12-47978632-C-T. GRCh37 (hg19) VCF-style: chr12-48372415-C-T.
Other names: c.2653G>A, p.Gly885Ser (NM_033150.3); short protein forms G885S, G954S.
Identifiers: ClinVar variation 997991 (VCV000997991.2), dbSNP rs1938864270, ClinGen allele CA384541947.